The following is an entry in ClinVar:

NM_015205.3(ATP11A):c.2331C>T (p.Ser777=)

Gene: ATP11A (ATPase phospholipid transporting 11A; plus strand). Cytogenetic location: 13q34.
Variant type: single nucleotide variant.
Coding change: c.2331C>T on transcript NM_015205.3 (MANE Select); coding-DNA position 2331, C replaced by T.
Protein change: p.Ser777=; no amino-acid change (serine 777 retained).
Molecular consequence: synonymous variant.
Genome position (GRCh38, 1-based): chr13:112,855,998, C>T. VCF-style: chr13-112855998-C-T. GRCh37 (hg19) VCF-style: chr13-113510312-C-T.
Other names: c.2331C>T, p.Ser777= (NM_001405661.1, NM_001405662.1, NM_001405663.1 and 1 more transcripts).
Identifiers: ClinVar variation 4084066 (VCV004084066.8).
Genomic context (GRCh38, chr13:112,855,998, plus strand): 5'-TTTAATTATCGACGGAGCTGCACTGTCTCTGATAATGAAGCCTCGAGAAGACGGGAGTTC[C>T]GGCAACTACAGGGAGCTCTTCCTGGAAATCTGCCGGAGCTGCAGCGCGGTGCTCTGCTGC-3'
Protein context (NP_056020.2, residues 767-787): LIMKPREDGS[Ser777=]GNYRELFLEI

ClinVar aggregate classification (germline): Likely benign (1 of 4 stars; one submission).

gnomAD v4.1: 163 of 1,614,216 alleles (0.01%); highest among the groups gnomAD compares: African/African-American, 0.18%; no homozygotes.

Submission:

CeGaT Center for Human Genetics Tuebingen
Classification: Likely benign. Last evaluated: 2025-07-01. Review status: criteria provided, single submitter. Criteria: CeGaT Center For Human Genetics Tuebingen Variant Classification Criteria Version 2. Collection method: clinical testing. Allele origin: germline. Affected: yes. Observed: 1 variant allele.
Comment: ATP11A: BP4, BP7